The following is an entry in ClinVar:

NM_000278.5(PAX2):c.194T>C (p.Val65Ala)

Gene: PAX2 (paired box 2; plus strand). Cytogenetic location: 10q24.31.
Variant type: single nucleotide variant.
Coding change: c.194T>C on transcript NM_000278.5 (MANE Select); coding-DNA position 194, T replaced by C.
Protein change: p.Val65Ala; replaces valine 65 with alanine.
Molecular consequence: missense variant.
Genome position (GRCh38, 1-based): chr10:100,749,896, T>C. VCF-style: chr10-100749896-T-C. GRCh37 (hg19) VCF-style: chr10-102509653-T-C.
Other names: c.287T>C, p.Val96Ala (NM_001304569.2); c.194T>C, p.Val65Ala (NM_003987.5, NM_003988.5, NM_003989.5 and 1 more transcripts); short protein forms V65A, V96A.
Identifiers: ClinVar variation 2098640 (VCV002098640.4), dbSNP rs1589812355, ClinGen allele CA378257726.

ClinVar aggregate classification (germline): Uncertain significance (1 of 4 stars; one submission).

Conditions:
Renal coloboma syndrome (PAPRS). Also called: RENAL-COLOBOMA SYNDROME WITH MACULAR ABNORMALITIES; CONGENITAL ANOMALIES OF THE KIDNEY AND URINARY TRACT WITH OR WITHOUT OCULAR ABNORMALITIES; CAKUT WITH OR WITHOUT OCULAR ABNORMALITIES; OPTIC COLOBOMA, VESICOURETERAL REFLUX, AND RENAL ANOMALIES; OPTIC NERVE COLOBOMA WITH RENAL DISEASE; PAPILLORENAL SYNDROME WITH MILD OCULAR ABNORMALITIES. Identifiers: Orphanet 1475, MedGen C1852759, MONDO:0007352, OMIM 120330.
Focal segmental glomerulosclerosis 7 (FSGS7). Identifiers: Orphanet 656, MedGen C4014925, MONDO:0014451, OMIM 616002.

Submission:

Labcorp Genetics (formerly Invitae), Labcorp
Classification: Uncertain significance for Renal coloboma syndrome; Focal segmental glomerulosclerosis 7. Last evaluated: 2022-10-07. Review status: criteria provided, single submitter. Criteria: Invitae Variant Classification Sherloc (09022015). Collection method: clinical testing. Allele origin: germline.
Comment: This sequence change replaces valine, which is neutral and non-polar, with alanine, which is neutral and non-polar, at codon 65 of the PAX2 protein (p.Val65Ala). This variant is not present in population databases (gnomAD no frequency). This missense change has been observed in individual(s) with PAX2-related conditions (PMID: 34031707). Experimental studies and prediction algorithms are not available or were not evaluated, and the functional significance of this variant is currently unknown. In summary, the available evidence is currently insufficient to determine the role of this variant in disease. Therefore, it has been classified as a Variant of Uncertain Significance.

Literature cited by the submitters: PubMed 34031707.